The following is an entry in ClinVar:

ClinVar aggregate classification (germline): Uncertain significance (1 of 4 stars; one submission).

Conditions:
TP63-Related Spectrum Disorders.

Submission:

Labcorp Genetics (formerly Invitae), Labcorp
Classification: Uncertain significance. Last evaluated: 2022-08-13. Review status: criteria provided, single submitter. Criteria: Invitae Variant Classification Sherloc (09022015). Collection method: clinical testing. Allele origin: germline.
Comment: In summary, the available evidence is currently insufficient to determine the role of this variant in disease. Therefore, it has been classified as a Variant of Uncertain Significance. Algorithms developed to predict the effect of missense changes on protein structure and function are either unavailable or do not agree on the potential impact of this missense change (SIFT: "Deleterious"; PolyPhen-2: "Probably Damaging"; Align-GVGD: "Class C0"). This variant has not been reported in the literature in individuals affected with TP63-related conditions. This variant is not present in population databases (gnomAD no frequency). This sequence change replaces cysteine, which is neutral and slightly polar, with arginine, which is basic and polar, at codon 244 of the TP63 protein (p.Cys244Arg).

NM_003722.5(TP63):c.730T>C (p.Cys244Arg)

Gene: TP63 (tumor protein p63; plus strand). Cytogenetic location: 3q28.
Variant type: single nucleotide variant.
Coding change: c.730T>C on transcript NM_003722.5 (MANE Select); coding-DNA position 730, T replaced by C.
Protein change: p.Cys244Arg; replaces cysteine 244 with arginine.
Molecular consequence: missense variant.
Genome position (GRCh38, 1-based): chr3:189,864,382, T>C. VCF-style: chr3-189864382-T-C. GRCh37 (hg19) VCF-style: chr3-189582171-T-C.
Other names: c.730T>C, p.Cys244Arg (NM_001114978.2, NM_001114979.2, NM_001329144.2 and 1 more transcripts); c.448T>C, p.Cys150Arg (NM_001114980.2, NM_001114981.2, NM_001114982.2 and 2 more transcripts); c.193T>C, p.Cys65Arg (NM_001329146.2, NM_001329150.2); c.724T>C, p.Cys242Arg (NM_001329964.2); short protein forms C150R, C242R, C244R, C65R.
Identifiers: ClinVar variation 1716376 (VCV001716376.4), dbSNP rs2474590657, ClinGen allele CA355753740.